The following is an entry in ClinVar:

NM_058216.3(RAD51C):c.907G>T (p.Glu303Ter)

Gene: RAD51C (RAD51 paralog C; plus strand). Cytogenetic location: 17q22.
Variant type: single nucleotide variant.
Coding change: c.907G>T on transcript NM_058216.3 (MANE Select); coding-DNA position 907, G replaced by T.
Protein change: p.Glu303Ter; replaces glutamic acid 303 with a stop codon.
Molecular consequence: nonsense. On other transcripts: non-coding transcript variant (1).
Genome position (GRCh38, 1-based): chr17:58,724,042, G>T. VCF-style: chr17-58724042-G-T. GRCh37 (hg19) VCF-style: chr17-56801403-G-T.
Other names: short protein forms E303*.
Identifiers: ClinVar variation 1209850 (VCV001209850.10), dbSNP rs2143961266, ClinGen allele CA400361278.

ClinVar aggregate classification (germline): Pathogenic. Review status: criteria provided, single submitter (1 of 4 stars). 2 submissions from 2 submitters: Pathogenic (1). 1 of the submissions does not count toward it. Last evaluated 2022-06-23.

Conditions:
Breast carcinoma. Also called: Carcinoma of breast. Identifiers: MedGen C0678222, MONDO:0004989, HP:0003002.
Fanconi anemia complementation group O. Also called: RAD51C-Related Fanconi Anemia. Identifiers: Orphanet 84, MedGen C3150653, MONDO:0013248, OMIM 613390.

Submissions (2):

Labcorp Genetics (formerly Invitae), Labcorp
Classification: Pathogenic for Fanconi anemia complementation group O. Last evaluated: 2022-06-23. Review status: criteria provided, single submitter. Criteria: Invitae Variant Classification Sherloc (09022015). Collection method: clinical testing. Allele origin: germline.
Comment: For these reasons, this variant has been classified as Pathogenic. RNA analysis performed to evaluate the impact of this premature translational stop signal on mRNA splicing indicates it does not significantly alter splicing (Invitae). ClinVar contains an entry for this variant (Variation ID: 1209850). This premature translational stop signal has been observed in individual(s) with breast cancer (PMID: 32658311). This variant is not present in population databases (gnomAD no frequency). This sequence change creates a premature translational stop signal (p.Glu303*) in the RAD51C gene. It is expected to result in an absent or disrupted protein product. Loss-of-function variants in RAD51C are known to be pathogenic (PMID: 20400964, 21990120, 24800917).

Medical Genetics Laboratory, Umraniye Training and Research Hospital, University of Health Sciences
Classification: Pathogenic for Breast carcinoma. Last evaluated: 2021-08-21. Review status: no assertion criteria provided. Collection method: clinical testing. Allele origin: germline. Inheritance: Autosomal dominant inheritance. Affected: yes. Observed: 1 variant allele, 1 heterozygote. Not counted in ClinVar's aggregate classification.
Comment: Invasive Breast Carcinoma grade III EST= - PRO = - HER2 = - KI = 50%

Literature cited by the submitters: PubMed 32658311 (cited by Labcorp Genetics (formerly Invitae), Labcorp); PubMed 20400964 (cited by Labcorp Genetics (formerly Invitae), Labcorp); PubMed 21990120 (cited by Labcorp Genetics (formerly Invitae), Labcorp); PubMed 24800917 (cited by Labcorp Genetics (formerly Invitae), Labcorp).